The following is an entry in ClinVar:

NM_000090.4(COL3A1):c.1509G>A (p.Lys503=)

Gene: COL3A1 (collagen type III alpha 1 chain; plus strand). Cytogenetic location: 2q32.2.
Variant type: single nucleotide variant.
Coding change: c.1509G>A on transcript NM_000090.4 (MANE Select); coding-DNA position 1509, G replaced by A.
Protein change: p.Lys503=; no amino-acid change (lysine 503 retained).
Molecular consequence: synonymous variant.
Genome position (GRCh38, 1-based): chr2:188,995,099, G>A. VCF-style: chr2-188995099-G-A. GRCh37 (hg19) VCF-style: chr2-189859825-G-A.
Identifiers: ClinVar variation 636888 (VCV000636888.5), dbSNP rs1576465649, ClinGen allele CA430309678.

ClinVar aggregate classification (germline): Uncertain significance. Review status: criteria provided, multiple submitters, no conflicts (2 of 4 stars). 2 submissions from 2 submitters: Uncertain significance (2). Last evaluated 2024-02-17.

Conditions:
Ehlers-Danlos syndrome, type 4 (EDSVASC). Also called: Ehlers-Danlos syndrome vascular type; Ehlers Danlos syndrome, ecchymotic type; Ehlers Danlos syndrome, arterial type; Ehlers Danlos syndrome, Sack-Barabas type; Ehlers-Danlos Syndrome Type IV. Identifiers: Orphanet 286, MedGen C0268338, MONDO:0017314, OMIM 130050.

Submissions (3):

Labcorp Genetics (formerly Invitae), Labcorp
Classification: Uncertain significance for Ehlers-Danlos syndrome, type 4. Last evaluated: 2024-02-17. Review status: criteria provided, single submitter. Criteria: Invitae Variant Classification Sherloc (09022015). Collection method: clinical testing. Allele origin: germline.
Comment: This sequence change affects codon 503 of the COL3A1 mRNA. It is a 'silent' change, meaning that it does not change the encoded amino acid sequence of the COL3A1 protein. This variant also falls at the last nucleotide of exon 21, which is part of the consensus splice site for this exon. This variant is not present in population databases (gnomAD no frequency). This variant has not been reported in the literature in individuals affected with COL3A1-related conditions. ClinVar contains an entry for this variant (Variation ID: 636888). Variants that disrupt the consensus splice site are a relatively common cause of aberrant splicing (PMID: 17576681, 9536098). Algorithms developed to predict the effect of sequence changes on RNA splicing suggest that this variant may disrupt the consensus splice site. In summary, the available evidence is currently insufficient to determine the role of this variant in disease. Therefore, it has been classified as a Variant of Uncertain Significance.

Blueprint Genetics
Classification: Uncertain significance. Last evaluated: 2019-04-29. Review status: criteria provided, single submitter. Criteria: ACMG Guidelines, 2015. Collection method: clinical testing. Allele origin: germline.

Dr. Peter K. Rogan Lab, Western University
No classification provided (evidence only). Condition: Melanoma. Review status: no classification provided. Collection method: in vitro. Allele origin: not applicable. Functional consequence: skipped exon. Not counted in ClinVar's aggregate classification.

Literature cited by the submitters: PubMed 17576681 (cited by Labcorp Genetics (formerly Invitae), Labcorp); PubMed 9536098 (cited by Labcorp Genetics (formerly Invitae), Labcorp).